The following is an entry in ClinVar:

NM_001378454.1(ALMS1):c.1909C>T (p.Pro637Ser)

Gene: ALMS1 (ALMS1 centrosome and basal body associated protein; plus strand). Cytogenetic location: 2p13.1.
Variant type: single nucleotide variant.
Coding change: c.1909C>T on transcript NM_001378454.1 (MANE Select); coding-DNA position 1909, C replaced by T.
Protein change: p.Pro637Ser; replaces proline 637 with serine.
Molecular consequence: missense variant.
Genome position (GRCh38, 1-based): chr2:73,448,436, C>T. VCF-style: chr2-73448436-C-T. GRCh37 (hg19) VCF-style: chr2-73675563-C-T.
Other names: c.1912C>T, p.Pro638Ser (NM_015120.4); short protein forms P638S, P637S.
Identifiers: ClinVar variation 1391163 (VCV001391163.3), dbSNP rs2103772730, ClinGen allele CA347265768.

ClinVar aggregate classification (germline): Uncertain significance (1 of 4 stars; one submission).

Conditions:
Alstrom syndrome (ALMS). Identifiers: Orphanet 64, MedGen C0268425, MONDO:0008763, OMIM 203800.

Allele frequency attached by ClinVar (database versions not stated): gnomAD exomes 0.00001.

Submission:

Labcorp Genetics (formerly Invitae), Labcorp
Classification: Uncertain significance for Alstrom syndrome. Last evaluated: 2021-03-15. Review status: criteria provided, single submitter. Criteria: Invitae Variant Classification Sherloc (09022015). Collection method: clinical testing. Allele origin: germline.
Comment: This sequence change replaces proline with serine at codon 638 of the ALMS1 protein (p.Pro638Ser). The proline residue is weakly conserved and there is a moderate physicochemical difference between proline and serine. This variant is not present in population databases (ExAC no frequency). This variant has not been reported in the literature in individuals with ALMS1-related conditions. Experimental studies and prediction algorithms are not available or were not evaluated, and the functional significance of this variant is currently unknown. In summary, the available evidence is currently insufficient to determine the role of this variant in disease. Therefore, it has been classified as a Variant of Uncertain Significance.